The following is an entry in ClinVar:

ClinVar aggregate classification (germline): Uncertain significance (1 of 4 stars; one submission).

Allele frequency attached by ClinVar (database versions not stated): TOPMed 0.00001.

Submission:

Labcorp Genetics (formerly Invitae), Labcorp
Classification: Uncertain significance. Last evaluated: 2023-12-14. Review status: criteria provided, single submitter. Criteria: Invitae Variant Classification Sherloc (09022015). Collection method: clinical testing. Allele origin: germline.
Comment: This sequence change replaces lysine, which is basic and polar, with arginine, which is basic and polar, at codon 460 of the PDHX protein (p.Lys460Arg). This variant is not present in population databases (gnomAD no frequency). This variant has not been reported in the literature in individuals affected with PDHX-related conditions. Advanced modeling of protein sequence and biophysical properties (such as structural, functional, and spatial information, amino acid conservation, physicochemical variation, residue mobility, and thermodynamic stability) performed at Invitae indicates that this missense variant is not expected to disrupt PDHX protein function with a negative predictive value of 80%. In summary, the available evidence is currently insufficient to determine the role of this variant in disease. Therefore, it has been classified as a Variant of Uncertain Significance.

NM_003477.3(PDHX):c.1379A>G (p.Lys460Arg)

Gene: PDHX (pyruvate dehydrogenase complex component X; plus strand). Cytogenetic location: 11p13.
Variant type: single nucleotide variant.
Coding change: c.1379A>G on transcript NM_003477.3 (MANE Select); coding-DNA position 1379, A replaced by G.
Protein change: p.Lys460Arg; replaces lysine 460 with arginine.
Molecular consequence: missense variant.
Genome position (GRCh38, 1-based): chr11:34,995,045, A>G. VCF-style: chr11-34995045-A-G. GRCh37 (hg19) VCF-style: chr11-35016592-A-G.
Other names: c.1199A>G, p.Lys400Arg (NM_001135024.2); c.698A>G, p.Lys233Arg (NM_001166158.2); short protein forms K400R, K460R, K233R.
Identifiers: ClinVar variation 2724482 (VCV002724482.3), dbSNP rs1855832451, ClinGen allele CA380127030.